The following is an entry in ClinVar:

NM_000059.4(BRCA2):c.3241del (p.Cys1081fs)

Gene: BRCA2 (BRCA2 DNA repair associated; plus strand). Cytogenetic location: 13q13.1.
Variant type: Deletion.
Coding change: c.3241del on transcript NM_000059.4 (MANE Select); coding-DNA position 3241, one base deleted (T; older notation c.3241delT).
Protein change: p.Cys1081fs; shifts the reading frame from cysteine 1081.
Molecular consequence: frameshift variant.
Genome position (GRCh38, 1-based): chr13:32,337,596, T deleted; the last of 2 consecutive T bases (chr13:32,337,595-32,337,596); deleting either gives the same sequence. VCF-style (leftmost placement, unchanged base first): chr13-32337594-AT-A. GRCh37 (hg19) VCF-style: chr13-32911731-AT-A.
Other names: c.3241delT (NM_000059.3); short protein forms C1081fs.
Identifiers: ClinVar variation 643908 (VCV000643908.7), dbSNP rs1593898992, ClinGen allele CA915948449.
Genomic context (GRCh38, chr13:32,337,594, plus strand): 5'-GCAAGCCTCAGTCAATTAATACTGTATCTGCACATTTACAGAGTAGTGTAGTTGTTTCTG[AT>A]TGTAAAAATAGTCATATAACCCCTCAGATGTTATTTTCCAAGCAGGATTTTAATTCAAAC-3'

ClinVar aggregate classification (germline): Pathogenic (1 of 4 stars; one submission).

Conditions:
Hereditary breast ovarian cancer syndrome. Also called: Hereditary breast and ovarian cancer; Hereditary breast and ovarian cancer syndrome; Hereditary breast and ovarian cancer syndrome (HBOC); Hereditary breast and/or ovarian cancer syndrome; Breast and ovarian cancer; BRCA1- and BRCA2-Associated Hereditary Breast and Ovarian Cancer. Identifiers: Orphanet 145, MedGen C0677776, MeSH D061325, MONDO:0003582. Disease mechanism: loss of function.

Submission:

Labcorp Genetics (formerly Invitae), Labcorp
Classification: Pathogenic for Hereditary breast ovarian cancer syndrome. Last evaluated: 2018-11-21. Review status: criteria provided, single submitter. Criteria: Invitae Variant Classification Sherloc (09022015). Collection method: clinical testing. Allele origin: germline.
Comment: For these reasons, this variant has been classified as Pathogenic. Loss-of-function variants in BRCA2 are known to be pathogenic (PMID: 20104584). This variant has not been reported in the literature in individuals with BRCA2-related disease. This variant is not present in population databases (ExAC no frequency). This sequence change creates a premature translational stop signal (p.Cys1081Valfs*6) in the BRCA2 gene. It is expected to result in an absent or disrupted protein product.

Literature cited by the submitters: PubMed 20104584.